The following is an entry in ClinVar:

NM_017654.4(SAMD9):c.3451G>T (p.Ala1151Ser)

Gene: SAMD9 (sterile alpha motif domain containing 9; minus strand). Cytogenetic location: 7q21.2.
Variant type: single nucleotide variant.
Coding change: c.3451G>T on transcript NM_017654.4 (MANE Select); coding-DNA position 3451, G replaced by T.
Protein change: p.Ala1151Ser; replaces alanine 1151 with serine.
Molecular consequence: missense variant.
Genome position (GRCh38, 1-based): chr7:93,102,647, C>A on the plus strand (G>T on the coding strand, the complement: SAMD9 is on the minus strand). VCF-style: chr7-93102647-C-A. GRCh37 (hg19) VCF-style: chr7-92731960-C-A.
Other names: c.3451G>T, p.Ala1151Ser (NM_001193307.2); short protein forms A1151S.
Identifiers: ClinVar variation 5028776 (VCV005028776.1).

ClinVar aggregate classification (germline): Uncertain significance (1 of 4 stars; one submission).

Conditions:
Inborn genetic diseases. Identifiers: MedGen C0950123, MeSH D030342.

Submission:

Ambry Genetics
Classification: Uncertain significance for Inborn genetic diseases. Last evaluated: 2026-07-29. Review status: criteria provided, single submitter. Criteria: Ambry Variant Classification Scheme 2023. Collection method: clinical testing. Allele origin: germline.
Comment: The p.A1151S variant (also known as c.3451G>T), located in coding exon 1 of the SAMD9 gene, results from a G to T substitution at nucleotide position 3451. The alanine at codon 1151 is replaced by serine, an amino acid with similar properties. This amino acid position is conserved. In addition, this alteration is predicted to be tolerated by in silico analysis. Based on the available evidence, the clinical significance of this variant remains unclear.